The following is an entry in ClinVar:

NM_000789.4(ACE):c.1499_1500del (p.Gln500fs)

Gene: ACE (angiotensin I converting enzyme; plus strand). Cytogenetic location: 17q23.3.
Variant type: Deletion.
Coding change: c.1499_1500del on transcript NM_000789.4 (MANE Select); coding-DNA positions 1499 to 1500, 2 bases deleted (AG; older notation c.1499_1500delAG).
Protein change: p.Gln500fs; shifts the reading frame from glutamine 500.
Molecular consequence: frameshift variant.
Genome position (GRCh38, 1-based): chr17:63,483,471-63,483,472, AG deleted. VCF-style (leftmost placement, unchanged base first): chr17-63483470-CAG-C. GRCh37 (hg19) VCF-style: chr17-61560831-CAG-C.
Other names: c.932_933del, p.Gln311fs (NM_001382700.1); c.647_648del, p.Gln216fs (NM_001382701.1); short protein forms Q216fs, Q311fs, Q500fs.
Identifiers: ClinVar variation 3250667 (VCV003250667.18), dbSNP rs748348196.
Genomic context (GRCh38, chr17:63,483,470, plus strand): 5'-ATCTGTTTGCAACCTCTAGGCCCTAAGACAATTTAACCATCCTTTTCCAGAACCAAGTAT[CAG>C]GGGATCTGTCCTCCTGTTACCCGAAACGAAACCCACTTTGATGCTGGAGCTAAGTTTCAT-3'

ClinVar aggregate classification (germline): Pathogenic (1 of 4 stars; one submission).

Allele frequency attached by ClinVar (database versions not stated): gnomAD exomes 0.00001; TOPMed 0.00001; ExAC 0.00002.

Submission:

CeGaT Center for Human Genetics Tuebingen
Classification: Pathogenic. Last evaluated: 2024-06-01. Review status: criteria provided, single submitter. Criteria: CeGaT Center For Human Genetics Tuebingen Variant Classification Criteria Version 2. Collection method: clinical testing. Allele origin: germline. Affected: yes. Observed: 1 variant allele.
Comment: ACE: PVS1, PM2, PM3